The following is an entry in ClinVar:

NM_005506.4(SCARB2):c.238A>C (p.Thr80Pro)

Gene: SCARB2 (scavenger receptor class B member 2; minus strand). Cytogenetic location: 4q21.1.
Variant type: single nucleotide variant.
Coding change: c.238A>C on transcript NM_005506.4 (MANE Select); coding-DNA position 238, A replaced by C.
Protein change: p.Thr80Pro; replaces threonine 80 with proline.
Molecular consequence: missense variant.
Genome position (GRCh38, 1-based): chr4:76,195,744, T>G on the plus strand (A>C on the coding strand, the complement: SCARB2 is on the minus strand). VCF-style: chr4-76195744-T-G. GRCh37 (hg19) VCF-style: chr4-77116897-T-G.
Other names: c.238A>C, p.Thr80Pro (NM_001204255.2); c.238A>C (NM_005506.3); short protein forms T80P.
Identifiers: ClinVar variation 1499279 (VCV001499279.7), dbSNP rs767397350, ClinGen allele CA2970389.
Genomic context (GRCh38, chr4:76,195,744, plus strand): 5'-GACAGGAGGTGGTCAAGACTTACCTGTAGGTGTATGGCCCCACTTCTTCCACCCGAGGGG[T>G]CTCCCCTCTGAGGATCTCCTCTGGATTGGTGACATTGAAGAAATAGAACTGAGTATACAC-3'
Protein context (NP_005497.1, residues 70-90): TNPEEILRGE[Thr80Pro]PRVEEVGPYT

ClinVar aggregate classification (germline): Uncertain significance. Review status: criteria provided, multiple submitters, no conflicts (2 of 4 stars). 2 submissions from 2 submitters: Uncertain significance (2). Last evaluated 2024-11-24.

Conditions:
Progressive myoclonic epilepsy. Also called: Familial progressive myoclonic epilepsy; Myoclonus epilepsy; Progressive myoclonus epilepsy; Myoclonic Epilepsies, Progressive. Identifiers: Orphanet 308, Orphanet 98261, MedGen C0751778, MONDO:0020074.
Inborn genetic diseases. Identifiers: MedGen C0950123, MeSH D030342.

Allele frequency attached by ClinVar (database versions not stated): ExAC 0.00001; gnomAD exomes 0.00001; gnomAD 0.00002; TOPMed 0.00002.
gnomAD v4.1: 20 of 1,613,598 alleles (0.0012%); highest among the groups gnomAD compares: Non-Finnish European, 0.0017%; no homozygotes.

Submissions (2):

Ambry Genetics
Classification: Uncertain significance for Inborn genetic diseases. Last evaluated: 2024-11-24. Review status: criteria provided, single submitter. Criteria: Ambry Variant Classification Scheme 2023. Collection method: clinical testing. Allele origin: germline.

Labcorp Genetics (formerly Invitae), Labcorp
Classification: Uncertain significance for Progressive myoclonic epilepsy. Last evaluated: 2022-07-26. Review status: criteria provided, single submitter. Criteria: Invitae Variant Classification Sherloc (09022015). Collection method: clinical testing. Allele origin: germline.
Comment: In summary, the available evidence is currently insufficient to determine the role of this variant in disease. Therefore, it has been classified as a Variant of Uncertain Significance. Algorithms developed to predict the effect of missense changes on protein structure and function (SIFT, PolyPhen-2, Align-GVGD) all suggest that this variant is likely to be tolerated. ClinVar contains an entry for this variant (Variation ID: 1499279). This variant has not been reported in the literature in individuals affected with SCARB2-related conditions. This variant is present in population databases (rs767397350, gnomAD 0.002%). This sequence change replaces threonine, which is neutral and polar, with proline, which is neutral and non-polar, at codon 80 of the SCARB2 protein (p.Thr80Pro).